The following is an entry in ClinVar:

ClinVar aggregate classification (germline): Uncertain significance (1 of 4 stars; one submission).

Submission:

Greenwood Genetic Center Diagnostic Laboratories, Greenwood Genetic Center
Classification: Uncertain significance. Last evaluated: 2025-10-23. Review status: criteria provided, single submitter. Criteria: ACMG Guidelines, 2015. Collection method: clinical testing. Allele origin: germline. Affected: yes.
Comment: PM2, BP4

NM_031407.7(HUWE1):c.864G>A (p.Val288=)

Gene: HUWE1 (HECT, UBA and WWE domain containing E3 ubiquitin protein ligase 1; minus strand). Cytogenetic location: Xp11.22.
Variant type: single nucleotide variant.
Coding change: c.864G>A on transcript NM_031407.7 (MANE Select); coding-DNA position 864, G replaced by A.
Protein change: p.Val288=; no amino-acid change (valine 288 retained).
Molecular consequence: synonymous variant.
Genome position (GRCh38, 1-based): chrX:53,629,615, C>T on the plus strand (G>A on the coding strand, the complement: HUWE1 is on the minus strand). VCF-style: chrX-53629615-C-T. GRCh37 (hg19) VCF-style: chrX-53656566-C-T.
Other names: c.864G>A, p.Val288= (NM_001441048.1, NM_001441049.1, NM_001441051.1 and 6 more transcripts); c.885G>A, p.Val295= (NM_001441050.1, NM_001441055.1).
Identifiers: ClinVar variation 4845596 (VCV004845596.1).